The following is an entry in ClinVar:

ClinVar aggregate classification (germline): Conflicting classifications of pathogenicity. Review status: criteria provided, conflicting classifications (1 of 4 stars). 3 submissions from 3 submitters: Uncertain significance (2); Likely benign (1). Last evaluated 2025-11-12.

Conditions:
Zellweger spectrum disorders (ZS). Also called: Zellweger Spectrum Disorder; Zellweger Spectrum; Zellweger Spectrum Disorder (ZSD); Zellweger syndrome. Identifiers: Orphanet 912, MedGen C0043459, MONDO:0019609.
Inborn genetic diseases. Identifiers: MedGen C0950123, MeSH D030342.

Allele frequency attached by ClinVar (database versions not stated): TOPMed below 0.00001; ExAC 0.00001; gnomAD exomes 0.00002.
gnomAD v4.1: 32 of 1,570,106 alleles (0.002%); highest among the groups gnomAD compares: Non-Finnish European, 0.0028%; no homozygotes.

Submissions (3):

Ambry Genetics
Classification: Uncertain significance for Inborn genetic diseases. Last evaluated: 2025-11-12. Review status: criteria provided, single submitter. Criteria: Ambry Variant Classification Scheme 2023. Collection method: clinical testing. Allele origin: germline.

Blueprint Genetics
Classification: Likely benign. Last evaluated: 2022-05-10. Review status: criteria provided, single submitter. Criteria: ACMG Guidelines, 2015. Collection method: clinical testing. Allele origin: germline.

Labcorp Genetics (formerly Invitae), Labcorp
Classification: Uncertain significance for Zellweger spectrum disorders. Last evaluated: 2022-03-09. Review status: criteria provided, single submitter. Criteria: Invitae Variant Classification Sherloc (09022015). Collection method: clinical testing. Allele origin: germline.
Comment: This sequence change replaces glycine, which is neutral and non-polar, with glutamic acid, which is acidic and polar, at codon 203 of the PEX1 protein (p.Gly203Glu). The frequency data for this variant in the population databases is considered unreliable, as metrics indicate poor data quality at this position in the gnomAD database. This variant has not been reported in the literature in individuals affected with PEX1-related conditions. Advanced modeling of protein sequence and biophysical properties (such as structural, functional, and spatial information, amino acid conservation, physicochemical variation, residue mobility, and thermodynamic stability) performed at Invitae indicates that this missense variant is not expected to disrupt PEX1 protein function. In summary, the available evidence is currently insufficient to determine the role of this variant in disease. Therefore, it has been classified as a Variant of Uncertain Significance.

NM_000466.3(PEX1):c.608G>A (p.Gly203Glu)

Gene: PEX1 (peroxisomal biogenesis factor 1; minus strand). Cytogenetic location: 7q21.2.
Variant type: single nucleotide variant.
Coding change: c.608G>A on transcript NM_000466.3 (MANE Select); coding-DNA position 608, G replaced by A.
Protein change: p.Gly203Glu; replaces glycine 203 with glutamic acid.
Molecular consequence: missense variant. On other transcripts: 5 prime UTR variant (1).
Genome position (GRCh38, 1-based): chr7:92,517,907, C>T on the plus strand (G>A on the coding strand, the complement: PEX1 is on the minus strand). VCF-style: chr7-92517907-C-T. GRCh37 (hg19) VCF-style: chr7-92147221-C-T.
Other names: c.608G>A (NM_000466.2); c.608G>A, p.Gly203Glu (NM_001282677.2); c.-17G>A (NM_001282678.2); short protein forms G203E.
Identifiers: ClinVar variation 1488619 (VCV001488619.7), dbSNP rs755103969, ClinGen allele CA4341569.